The following is an entry in ClinVar:

ClinVar aggregate classification (germline): Uncertain significance (1 of 4 stars; one submission).

gnomAD v4.1: 1 of 1,612,128 alleles (0.000062%); no homozygotes.

Submission:

Labcorp Genetics (formerly Invitae), Labcorp
Classification: Uncertain significance. Last evaluated: 2025-11-17. Review status: criteria provided, single submitter. Criteria: Invitae Variant Classification Sherloc (09022015). Collection method: clinical testing. Allele origin: germline.
Comment: This sequence change creates a premature translational stop signal (p.Trp6*) in the FLRT3 gene. While this is not anticipated to result in nonsense mediated decay, it is expected to disrupt the last 644 amino acid(s) of the FLRT3 protein. This variant is not present in population databases (gnomAD no frequency). This variant has not been reported in the literature in individuals affected with FLRT3-related conditions. Experimental studies and prediction algorithms are not available or were not evaluated, and the functional significance of this variant is currently unknown. In summary, the available evidence is currently insufficient to determine the role of this variant in disease. Therefore, it has been classified as a Variant of Uncertain Significance.

NM_198391.3(FLRT3):c.18G>A (p.Trp6Ter)

Genes: FLRT3 (fibronectin leucine rich transmembrane protein 3; minus strand), MACROD2 (mono-ADP ribosylhydrolase 2; plus strand). Cytogenetic location: 20p12.1.
Variant type: single nucleotide variant.
Coding change: c.18G>A on transcript NM_198391.3 (MANE Select); coding-DNA position 18, G replaced by A.
Protein change: p.Trp6Ter; replaces tryptophan 6 with a stop codon.
Molecular consequence: nonsense. On other transcripts: intron variant (3).
Genome position (GRCh38, 1-based): chr20:14,327,489, C>T on the plus strand (G>A on the coding strand, the complement: FLRT3 is on the minus strand). VCF-style: chr20-14327489-C-T. GRCh37 (hg19) VCF-style: chr20-14308135-C-T.
Other names: c.18G>A, p.Trp6Ter (NM_013281.4); c.272-165990C>T (NM_001351661.2, NM_001351663.2, NM_080676.6); short protein forms W6*.
Identifiers: ClinVar variation 4731312 (VCV004731312.1).